The following is an entry in ClinVar:

ClinVar aggregate classification (germline): Uncertain significance (1 of 4 stars; one submission).

Submission:

CeGaT Center for Human Genetics Tuebingen
Classification: Uncertain significance. Last evaluated: 2023-02-01. Review status: criteria provided, single submitter. Criteria: CeGaT Center For Human Genetics Tuebingen Variant Classification Criteria Version 2. Collection method: clinical testing. Allele origin: germline. Affected: yes. Observed: 1 variant allele.
Comment: PPP1CB: PM2, BP4

NM_002709.3(PPP1CB):c.-1G>C

Gene: PPP1CB (protein phosphatase 1 catalytic subunit beta; plus strand). Cytogenetic location: 2p23.2.
Variant type: single nucleotide variant.
Coding change: c.-1G>C on transcript NM_002709.3 (MANE Select); 1 bases upstream of the start codon, G replaced by C.
Molecular consequence: 5 prime UTR variant.
Genome position (GRCh38, 1-based): chr2:28,752,124, G>C. VCF-style: chr2-28752124-G-C. GRCh37 (hg19) VCF-style: chr2-28974990-G-C.
Other names: c.-1G>C (NM_206876.2).
Identifiers: ClinVar variation 2650780 (VCV002650780.24), dbSNP rs2465670957, ClinGen allele CA2695200441.